The following is an entry in ClinVar:

NM_001077653.2(TBX20):c.912dup (p.Gln305fs)

Gene: TBX20 (T-box transcription factor 20; minus strand). Cytogenetic location: 7p14.2.
Variant type: Duplication.
Coding change: c.912dup on transcript NM_001077653.2 (MANE Select); coding-DNA position 912, one base duplicated (T; older notation c.912dupT).
Protein change: p.Gln305fs; shifts the reading frame from glutamine 305.
Molecular consequence: frameshift variant.
Genome position (GRCh38, 1-based): chr7:35,204,561, A duplicated on the plus strand (T on the coding strand, the reverse complement: TBX20 is on the minus strand); the first of 2 consecutive A bases (chr7:35,204,561-35,204,562); duplicating either gives the same sequence. VCF-style (leftmost placement, unchanged base first): chr7-35204560-G-GA. GRCh37 (hg19) VCF-style: chr7-35244172-G-GA.
Other names: short protein forms Q305fs.
Identifiers: ClinVar variation 2766244 (VCV002766244.3), dbSNP rs2546981577, ClinGen allele CA2697557220.

ClinVar aggregate classification (germline): Uncertain significance (1 of 4 stars; one submission).

Submission:

Labcorp Genetics (formerly Invitae), Labcorp
Classification: Uncertain significance. Last evaluated: 2025-09-13. Review status: criteria provided, single submitter. Criteria: Invitae Variant Classification Sherloc (09022015). Collection method: clinical testing. Allele origin: germline.
Comment: This sequence change creates a premature translational stop signal (p.Gln305Serfs*23) in the TBX20 gene. While this is not anticipated to result in nonsense mediated decay, it is expected to disrupt the last 143 amino acid(s) of the TBX20 protein. This variant is not present in population databases (gnomAD no frequency). This variant has not been reported in the literature in individuals affected with TBX20-related conditions. ClinVar contains an entry for this variant (Variation ID: 2766244). Experimental studies and prediction algorithms are not available or were not evaluated, and the functional significance of this variant is currently unknown. In summary, the available evidence is currently insufficient to determine the role of this variant in disease. Therefore, it has been classified as a Variant of Uncertain Significance.